The following is an entry in ClinVar:

NM_001042492.3(NF1):c.5269-286C>T

Gene: NF1 (neurofibromin 1; plus strand). Cytogenetic location: 17q11.2.
Variant type: single nucleotide variant.
Coding change: c.5269-286C>T on transcript NM_001042492.3 (MANE Select); 286 bases into the intron before coding-DNA position 5269, C replaced by T.
Molecular consequence: intron variant.
Genome position (GRCh38, 1-based): chr17:31,327,213, C>T. VCF-style: chr17-31327213-C-T. GRCh37 (hg19) VCF-style: chr17-29654231-C-T.
Other names: c.5206-286C>T (NM_000267.4).
Identifiers: ClinVar variation 4538351 (VCV004538351.1).

ClinVar aggregate classification (germline): Uncertain significance (1 of 4 stars; one submission).

gnomAD v4.1: 2 of 152,150 alleles (0.0013%); highest among the groups gnomAD compares: East Asian, 0.019%; no homozygotes.

Submission:

Greenwood Genetic Center Diagnostic Laboratories, Greenwood Genetic Center
Classification: Uncertain significance. Last evaluated: 2025-04-10. Review status: criteria provided, single submitter. Criteria: ACMG Guidelines, 2015. Collection method: clinical testing. Allele origin: germline. Affected: yes.
Comment: BP4